The following is an entry in ClinVar:

NM_015047.3(EMC1):c.1151G>A (p.Arg384Gln)

Genes: EMC1 (ER membrane protein complex subunit 1; minus strand), EMC1-AS1 (EMC1 antisense RNA 1; plus strand). Cytogenetic location: 1p36.13.
Variant type: single nucleotide variant.
Coding change: c.1151G>A on transcript NM_015047.3 (MANE Select); coding-DNA position 1151, G replaced by A.
Protein change: p.Arg384Gln; replaces arginine 384 with glutamine.
Molecular consequence: missense variant.
Genome position (GRCh38, 1-based): chr1:19,238,078, C>T on the plus strand (G>A on the coding strand, the complement: EMC1 is on the minus strand). VCF-style: chr1-19238078-C-T. GRCh37 (hg19) VCF-style: chr1-19564572-C-T.
Other names: c.1148G>A, p.Arg383Gln (NM_001271427.2, NM_001375821.1); c.1151G>A, p.Arg384Gln (NM_001271428.2, NM_001375820.1); c.1085G>A, p.Arg362Gln (NM_001271429.2); c.1151G>A (NM_015047.1); short protein forms R384Q, R362Q, R383Q.
Identifiers: ClinVar variation 1369262 (VCV001369262.8), dbSNP rs751544107, ClinGen allele CA652652.
Genomic context (GRCh38, chr1:19,238,078, plus strand): 5'-CGCTCAGGCCGAGTGCCGCTCTGTTCCAGGCTAAATGTTATCGTGGTGTCCAGCAGCCGC[C>T]GACCTGTCTCCACGAGGTATAGGTTAATGGTGTAGGTCTGATTGAAGCAAGCCAGAGAGT-3'
Protein context (NP_055862.1, residues 374-394): TINLYLVETG[Arg384Gln]RLLDTTITFS

ClinVar aggregate classification (germline): Uncertain significance. Review status: criteria provided, multiple submitters, no conflicts (2 of 4 stars). 2 submissions from 2 submitters: Uncertain significance (2). Last evaluated 2025-12-30.

Conditions:
Inborn genetic diseases. Identifiers: MedGen C0950123, MeSH D030342.

Allele frequency attached by ClinVar (database versions not stated): TOPMed below 0.00001; gnomAD exomes 0.00001 and 0.00002; ExAC 0.00003.
gnomAD v4.1: 10 of 1,614,098 alleles (0.00062%); highest among the groups gnomAD compares: South Asian, 0.0033%; no homozygotes.

Submissions (2):

Labcorp Genetics (formerly Invitae), Labcorp
Classification: Uncertain significance. Last evaluated: 2025-12-30. Review status: criteria provided, single submitter. Criteria: Invitae Variant Classification Sherloc (09022015). Collection method: clinical testing. Allele origin: germline.
Comment: This sequence change replaces arginine, which is basic and polar, with glutamine, which is neutral and polar, at codon 384 of the EMC1 protein (p.Arg384Gln). This variant is present in population databases (rs751544107, gnomAD 0.01%). This variant has not been reported in the literature in individuals affected with EMC1-related conditions. ClinVar contains an entry for this variant (Variation ID: 1369262). Invitae Evidence Modeling of protein sequence and biophysical properties (such as structural, functional, and spatial information, amino acid conservation, physicochemical variation, residue mobility, and thermodynamic stability) indicates that this missense variant is not expected to disrupt EMC1 protein function with a negative predictive value of 80%. In summary, the available evidence is currently insufficient to determine the role of this variant in disease. Therefore, it has been classified as a Variant of Uncertain Significance.

Ambry Genetics
Classification: Uncertain significance for Inborn genetic diseases. Last evaluated: 2024-12-20. Review status: criteria provided, single submitter. Criteria: Ambry Variant Classification Scheme 2023. Collection method: clinical testing. Allele origin: germline.